The following is an entry in ClinVar:

NM_000051.4(ATM):c.5326G>T (p.Glu1776Ter)

Gene: ATM (ATM serine/threonine kinase; plus strand). Cytogenetic location: 11q22.3.
Variant type: single nucleotide variant.
Coding change: c.5326G>T on transcript NM_000051.4 (MANE Select); coding-DNA position 5326, G replaced by T.
Protein change: p.Glu1776Ter; replaces glutamic acid 1776 with a stop codon.
Molecular consequence: nonsense.
Genome position (GRCh38, 1-based): chr11:108,302,859, G>T. VCF-style: chr11-108302859-G-T. GRCh37 (hg19) VCF-style: chr11-108173586-G-T.
Other names: c.5326G>T, p.Glu1776Ter (NM_001351834.2); short protein forms E1776*.
Identifiers: ClinVar variation 482731 (VCV000482731.31), dbSNP rs1555106321, ClinGen allele CA382543040.

ClinVar aggregate classification (germline): Pathogenic/Likely pathogenic. Review status: criteria provided, multiple submitters, no conflicts (2 of 4 stars). 10 submissions from 10 submitters: Pathogenic (9); Likely pathogenic (1). Last evaluated 2025-12-29.

Conditions:
ATM-related cancer predisposition. Also called: ATM-related cancer susceptibility. Identifiers: MedGen CN377759, MONDO:0700270.
Hereditary cancer-predisposing syndrome. Also called: Tumor predisposition; Neoplastic Syndromes, Hereditary; Hereditary Cancer Syndrome; Hereditary neoplastic syndrome. Identifiers: Orphanet 140162, MedGen C0027672, MeSH D009386, MONDO:0015356.
Familial cancer of breast. Also called: BREAST CANCER, FAMILIAL; hereditary breast carcinoma; Hereditary breast cancer. Identifiers: Orphanet 227535, MedGen C0346153, MONDO:0016419, OMIM 114480. Disease mechanism: loss of function.
Ataxia-telangiectasia syndrome (AT). Also called: LOUIS-BAR SYNDROME; ATAXIA-TELANGIECTASIA, COMPLEMENTATION GROUP A; ATAXIA-TELANGIECTASIA, FRESNO VARIANT; Ataxia-telangiectasia; Ataxia-telangiectasia, complementation group D; AT, COMPLEMENTATION GROUP C. Identifiers: Orphanet 100, MedGen C0004135, MONDO:0008840, OMIM 208900.

Submissions (10):

Center for Genomic Medicine, Rigshospitalet, Copenhagen University Hospital
Classification: Pathogenic. Last evaluated: 2025-12-29. Review status: criteria provided, single submitter. Criteria: ACMG Guidelines, 2015. Collection method: clinical testing. Allele origin: germline.
Comment: Classification criteria: PVS1, PM2_supporting, PM3_supporting

Women's Health and Genetics/Laboratory Corporation of America, LabCorp
Classification: Pathogenic for Ataxia-telangiectasia syndrome. Last evaluated: 2025-09-29. Review status: criteria provided, single submitter. Criteria: LabCorp Variant Classification Summary - May 2015. Collection method: clinical testing. Allele origin: germline.
Comment: Variant summary: ATM c.5326G>T (p.Glu1776X) results in a premature termination codon, predicted to cause a truncation of the encoded protein or absence of the protein due to nonsense mediated decay, which are commonly known mechanisms for disease. The variant was absent in 250556 control chromosomes. c.5326G>T has been observed in individual(s) affected with Ataxia-telangiectasia syndrome, Breast Cancer, or Prostate Cancer (e.g. Laake_2000, Dorling_2021, Hansen_2023). To our knowledge, no experimental evidence demonstrating an impact on protein function has been reported. The following publications have been ascertained in the context of this evaluation (PMID: 33471991, 37932350, 10980530, 12646636). ClinVar contains an entry for this variant (Variation ID: 482731). Based on the evidence outlined above, the variant was classified as pathogenic.

Genetic Services Laboratory, University of Chicago
Classification: Likely pathogenic. Last evaluated: 2025-09-26. Review status: criteria provided, single submitter. Criteria: ACMG Guidelines, 2015. Collection method: clinical testing. Allele origin: germline.
Comment: The c.5326G>T variant: Results in the creation of a premature stop codon at amino acid position 1776, .p.Glu1776*. Is predicted to result in an abnormal transcript, which may be degraded, or may lead to the production of a truncated ATM protein with potentially abnormal function. Has been previously described in a family with ataxia telangiectasia in conjunction with another intronic variant in the same gene (PMID: 10980530). Other loss-of-function variants in ATM are known to be pathogenic (PMID: 23807571, 25614872). Has been reported in both breast cancer cases and control cases (PMID: 33471991). Has not been described in population databases such as gnomAD v4 (dbSNP rs1555106321). ClinVar contains an entry for this variant (Variation ID: 482731). Collectively this evidence indicates that this variant is likely pathogenic, however functional studies have not been performed to prove this conclusively.

GeneDx
Classification: Pathogenic. Last evaluated: 2025-08-20. Review status: criteria provided, single submitter. Criteria: GeneDx Variant Classification Process June 2021. Collection method: clinical testing. Allele origin: germline. Affected: yes.
Comment: Nonsense variant predicted to result in protein truncation or nonsense mediated decay in a gene for which loss of function is a known mechanism of disease; Not observed at significant frequency in large population cohorts (gnomAD); Truncating variants in this gene are considered pathogenic by a well-established clinical consortium and/or database; This variant is associated with the following publications: (PMID: 25525159, 33471991, 10980530)

Ambry Genetics
Classification: Pathogenic for Hereditary cancer-predisposing syndrome. Last evaluated: 2025-08-05. Review status: criteria provided, single submitter. Criteria: Ambry Variant Classification Scheme 2023. Collection method: clinical testing. Allele origin: germline.
Comment: The p.E1776* pathogenic mutation (also known as c.5326G>T), located in coding exon 35 of the ATM gene, results from a G to T substitution at nucleotide position 5326. This changes the amino acid from a glutamic acid to a stop codon within coding exon 35. This alteration has been reported in conjunction with a second ATM alteration, IVS53-2A>C, in an individual affected with ataxia telangiectasia (Laake K et al. Hum Mutat, 2000 Sep;16:232-46). This variant was reported in 2/60,466 breast cancer cases and in 2/53,461 controls (Dorling et al. N Engl J Med. 2021 02;384:428-439). This variant is considered to be rare based on population cohorts in the Genome Aggregation Database (gnomAD). This alteration is expected to result in loss of function by premature protein truncation or nonsense-mediated mRNA decay. As such, this alteration is interpreted as a disease-causing mutation.

Labcorp Genetics (formerly Invitae), Labcorp
Classification: Pathogenic for Ataxia-telangiectasia syndrome. Last evaluated: 2025-01-21. Review status: criteria provided, single submitter. Criteria: Invitae Variant Classification Sherloc (09022015). Collection method: clinical testing. Allele origin: germline.
Comment: This sequence change creates a premature translational stop signal (p.Glu1776*) in the ATM gene. It is expected to result in an absent or disrupted protein product. Loss-of-function variants in ATM are known to be pathogenic (PMID: 23807571, 25614872). This variant is not present in population databases (gnomAD no frequency). This premature translational stop signal has been observed in individual(s) with ataxia-telangiectasia (PMID: 10980530). ClinVar contains an entry for this variant (Variation ID: 482731). For these reasons, this variant has been classified as Pathogenic.

Myriad Genetics, Inc.
Classification: Pathogenic for Familial cancer of breast. Last evaluated: 2024-01-25. Review status: criteria provided, single submitter. Criteria: Myriad Autosomal Dominant, Autosomal Recessive and X-Linked Classification Criteria (2023). Collection method: clinical testing. Allele origin: unknown.
Comment: This variant is considered pathogenic. This variant creates a termination codon and is predicted to result in premature protein truncation.

Sema4
Classification: Pathogenic for Hereditary cancer-predisposing syndrome. Last evaluated: 2022-03-09. Review status: criteria provided, single submitter. Criteria: Sema4 Curation Guidelines. Collection method: curation. Allele origin: germline.
Comment: The ATM c.5326G>T (p.E1776X) variant has been reported in at least one individual with ataxia-telangiectasia (PMID: 10980530). It has also been reported in 2/60466 women with breast cancer and in 2/53461 control individuals in a large case control study (PMID: 33471991) This nonsense variant creates a premature stop codon at residue 1776 of the ATM protein. Loss of function variants in ATM are known to be pathogenic (PMID: 23807571). This variant is not reported in the population database Genome Aggregation Database (PMID: 32461654). It has been reported in ClinVar (Variation ID: 482731). Based on the current evidence available, this variant is interpreted as pathogenic.

Fulgent Genetics
Classification: Pathogenic for Familial cancer of breast; Ataxia-telangiectasia syndrome. Last evaluated: 2022-03-08. Review status: criteria provided, single submitter. Criteria: ACMG Guidelines, 2015. Collection method: clinical testing. Allele origin: unknown.

Department of Pathology and Laboratory Medicine, Sinai Health System
Classification: Pathogenic for ATM-related cancer predisposition. Last evaluated: 2022-03-03. Review status: criteria provided, single submitter. Criteria: ACMG Guidelines, 2015. Collection method: clinical testing. Allele origin: germline.

Literature cited by the submitters: PubMed 10980530 (cited by 6 submitters); PubMed 33471991 (cited by 3 submitters); PubMed 12646636 (cited by Women's Health and Genetics/Laboratory Corporation of America, LabCorp); PubMed 37932350 (cited by Women's Health and Genetics/Laboratory Corporation of America, LabCorp); PubMed 23807571 (cited by Labcorp Genetics (formerly Invitae), Labcorp and Sema4); PubMed 25614872 (cited by Labcorp Genetics (formerly Invitae), Labcorp).